The following is an entry in ClinVar:

ClinVar aggregate classification (germline): Uncertain significance. Review status: criteria provided, multiple submitters, no conflicts (2 of 4 stars). 2 submissions from 2 submitters: Uncertain significance (2). Last evaluated 2025-08-01.

Conditions:
Developmental and epileptic encephalopathy, 9 (DEE9). Also called: Early infantile epileptic encephalopathy 9; JUBERG-HELLMAN SYNDROME; PCDH19-Related X-Linked Female-Limited Epilepsy with Mental Retardation; EPILEPSY, FEMALE-RESTRICTED, WITH MENTAL RETARDATION. Identifiers: Orphanet 101039, Orphanet 2076, MedGen C1848137, MONDO:0010246, OMIM 300088. Disease mechanism: loss of function.

gnomAD v4.1: 1 of 1,211,724 alleles (0.000083%); highest among the groups gnomAD compares: Non-Finnish European, 0.00011%; no homozygotes.

Submissions (2):

CeGaT Center for Human Genetics Tuebingen
Classification: Uncertain significance. Last evaluated: 2025-08-01. Review status: criteria provided, single submitter. Criteria: CeGaT Center For Human Genetics Tuebingen Variant Classification Criteria Version 2. Collection method: clinical testing. Allele origin: germline. Affected: yes. Observed: 1 variant allele.
Comment: PCDH19: PM2

Labcorp Genetics (formerly Invitae), Labcorp
Classification: Uncertain significance for Developmental and epileptic encephalopathy, 9. Last evaluated: 2025-02-27. Review status: criteria provided, single submitter. Criteria: Invitae Variant Classification Sherloc (09022015). Collection method: clinical testing. Allele origin: germline.
Comment: This sequence change replaces leucine, which is neutral and non-polar, with isoleucine, which is neutral and non-polar, at codon 811 of the PCDH19 protein (p.Leu811Ile). This variant is not present in population databases (gnomAD no frequency). This variant has not been reported in the literature in individuals affected with PCDH19-related conditions. ClinVar contains an entry for this variant (Variation ID: 1384505). Invitae Evidence Modeling of protein sequence and biophysical properties (such as structural, functional, and spatial information, amino acid conservation, physicochemical variation, residue mobility, and thermodynamic stability) indicates that this missense variant is not expected to disrupt PCDH19 protein function with a negative predictive value of 95%. In summary, the available evidence is currently insufficient to determine the role of this variant in disease. Therefore, it has been classified as a Variant of Uncertain Significance.

NM_001184880.2(PCDH19):c.2431C>A (p.Leu811Ile)

Genes: PCDH19 (protocadherin 19; minus strand), LOC125467768 (CDK7 strongly-dependent group 2 enhancer GRCh37_chrX:99657381-99658580; plus strand). Cytogenetic location: Xq22.1.
Variant type: single nucleotide variant.
Coding change: c.2431C>A on transcript NM_001184880.2 (MANE Select); coding-DNA position 2431, C replaced by A.
Protein change: p.Leu811Ile; replaces leucine 811 with isoleucine.
Molecular consequence: missense variant.
Genome position (GRCh38, 1-based): chrX:100,402,709, G>T on the plus strand (C>A on the coding strand, the complement: PCDH19 is on the minus strand). VCF-style: chrX-100402709-G-T. GRCh37 (hg19) VCF-style: chrX-99657707-G-T.
Other names: c.2290C>A, p.Leu764Ile (NM_001105243.2, NM_020766.3); short protein forms L764I, L811I.
Identifiers: ClinVar variation 1384505 (VCV001384505.16), dbSNP rs2147533269, ClinGen allele CA414005862.